The following is an entry in ClinVar:

ClinVar aggregate classification (germline): Uncertain significance (1 of 4 stars; one submission).

Conditions:
Leukocyte adhesion deficiency 1 (LAD1). Also called: LEUKOCYTE ADHESION DEFICIENCY, TYPE I; LAD 1; Lymphocyte function-associated antigen 1 immunodeficiency; LFA 1 immunodeficiency. Identifiers: Orphanet 2968, Orphanet 99842, MedGen C0398738, MONDO:0007293, OMIM 116920.

Allele frequency attached by ClinVar (database versions not stated): TOPMed below 0.00001; gnomAD exomes 0.00001.
gnomAD v4.1: 4 of 1,613,364 alleles (0.00025%); highest among the groups gnomAD compares: Non-Finnish European, 0.00034%; no homozygotes.

Submission:

Labcorp Genetics (formerly Invitae), Labcorp
Classification: Uncertain significance for Leukocyte adhesion deficiency 1. Last evaluated: 2019-04-23. Review status: criteria provided, single submitter. Criteria: Invitae Variant Classification Sherloc (09022015). Collection method: clinical testing. Allele origin: germline.
Comment: This sequence change replaces leucine with proline at codon 345 of the ITGB2 protein (p.Leu345Pro). The leucine residue is highly conserved and there is a moderate physicochemical difference between leucine and proline. This variant is not present in population databases (ExAC no frequency). This variant has not been reported in the literature in individuals with ITGB2-related conditions. Algorithms developed to predict the effect of missense changes on protein structure and function are either unavailable or do not agree on the potential impact of this missense change (SIFT: "Tolerated"; PolyPhen-2: "Probably Damaging"; Align-GVGD: "Class C0"). In summary, the available evidence is currently insufficient to determine the role of this variant in disease. Therefore, it has been classified as a Variant of Uncertain Significance.

NM_000211.5(ITGB2):c.1034T>C (p.Leu345Pro)

Gene: ITGB2 (integrin subunit beta 2; minus strand). Cytogenetic location: 21q22.3.
Variant type: single nucleotide variant.
Coding change: c.1034T>C on transcript NM_000211.5 (MANE Select); coding-DNA position 1034, T replaced by C.
Protein change: p.Leu345Pro; replaces leucine 345 with proline.
Molecular consequence: missense variant.
Genome position (GRCh38, 1-based): chr21:44,895,020, A>G on the plus strand (T>C on the coding strand, the complement: ITGB2 is on the minus strand). VCF-style: chr21-44895020-A-G. GRCh37 (hg19) VCF-style: chr21-46314935-A-G.
Other names: c.1034T>C, p.Leu345Pro (NM_001127491.3); c.827T>C, p.Leu276Pro (NM_001303238.2); short protein forms L276P, L345P.
Identifiers: ClinVar variation 844711 (VCV000844711.8), dbSNP rs1460516188, ClinGen allele CA410486304.